The following is an entry in ClinVar:

ClinVar aggregate classification (germline): Uncertain significance (1 of 4 stars; one submission).

Submission:

GeneDx
Classification: Uncertain significance. Last evaluated: 2024-05-28. Review status: criteria provided, single submitter. Criteria: GeneDx Variant Classification Process June 2021. Collection method: clinical testing. Allele origin: germline. Affected: yes.
Comment: Not observed at significant frequency in large population cohorts (gnomAD); Missense variant in a gene in which most reported pathogenic variants are truncating/loss of function; Has not been previously published as pathogenic or benign to our knowledge; This variant is associated with the following publications: (PMID: 23975875)

NM_001267550.2(TTN):c.53053A>G (p.Met17685Val)

Genes: TTN (titin; minus strand), TTN-AS1 (TTN antisense RNA 1; plus strand), LOC126806425 (BRD4-independent group 4 enhancer GRCh37_chr2:179471933-179473132; plus strand). Cytogenetic location: 2q31.2.
Variant type: single nucleotide variant.
Coding change: c.53053A>G on transcript NM_001267550.2 (MANE Select); coding-DNA position 53053, A replaced by G.
Protein change: p.Met17685Val; replaces methionine 17685 with valine.
Molecular consequence: missense variant.
Genome position (GRCh38, 1-based): chr2:178,607,635, T>C on the plus strand (A>G on the coding strand, the complement: TTN is on the minus strand). VCF-style: chr2-178607635-T-C. GRCh37 (hg19) VCF-style: chr2-179472362-T-C.
Other names: c.48130A>G, p.Met16044Val (NM_001256850.1); c.25858A>G, p.Met8620Val (NM_003319.4); c.45349A>G, p.Met15117Val (NM_133378.4); c.26233A>G, p.Met8745Val (NM_133432.3); c.26434A>G, p.Met8812Val (NM_133437.4); short protein forms M15117V, M16044V, M17685V, M8620V, M8745V, M8812V.
Identifiers: ClinVar variation 3383772 (VCV003383772.1).
Genomic context (GRCh38, chr2:178,607,635, plus strand): 5'-CTTTTGTAGGTACAGGGCGACCAGTCACCACAGCTGGAATTCTAAGAGTCTTCCCAGCCA[T>C]TATTTGTATTCCACCCTTGACAGAAACATCCAGTTCCACAGCTGGAGGCTCTGTTGAAAG-3'
Protein context (NP_001254479.2, residues 17675-17695): DVSVKGGIQI[Met17685Val]AGKTLRIPAV